The following is an entry in ClinVar:

ClinVar aggregate classification (germline): Pathogenic (1 of 4 stars; one submission).

Conditions:
Lysinuric protein intolerance (LPI). Identifiers: Orphanet 470, MedGen C0268647, MONDO:0009109, OMIM 222700.

Submission:

Labcorp Genetics (formerly Invitae), Labcorp
Classification: Pathogenic for Lysinuric protein intolerance. Last evaluated: 2023-12-28. Review status: criteria provided, single submitter. Criteria: Invitae Variant Classification Sherloc (09022015). Collection method: clinical testing. Allele origin: germline.
Comment: This sequence change creates a premature translational stop signal (p.Tyr7*) in the SLC7A7 gene. It is expected to result in an absent or disrupted protein product. Loss-of-function variants in SLC7A7 are known to be pathogenic (PMID: 10631139, 17764084). This variant is not present in population databases (gnomAD no frequency). This variant has not been reported in the literature in individuals affected with SLC7A7-related conditions. For these reasons, this variant has been classified as Pathogenic.

Literature cited by the submitters: PubMed 10631139; PubMed 17764084.

NM_003982.4(SLC7A7):c.21T>A (p.Tyr7Ter)

Genes: SLC7A7 (solute carrier family 7 member 7; minus strand), LOC130055324 (ATAC-STARR-seq lymphoblastoid silent region 5590; plus strand). Cytogenetic location: 14q11.2.
Variant type: single nucleotide variant.
Coding change: c.21T>A on transcript NM_003982.4 (MANE Select); coding-DNA position 21, T replaced by A.
Protein change: p.Tyr7Ter; replaces tyrosine 7 with a stop codon.
Molecular consequence: nonsense.
Genome position (GRCh38, 1-based): chr14:22,813,378, A>T on the plus strand (T>A on the coding strand, the complement: SLC7A7 is on the minus strand). VCF-style: chr14-22813378-A-T. GRCh37 (hg19) VCF-style: chr14-23282587-A-T.
Other names: c.21T>A, p.Tyr7Ter (NM_001126105.3, NM_001126106.4); short protein forms Y7*.
Identifiers: ClinVar variation 2706171 (VCV002706171.3), dbSNP rs2501978226, ClinGen allele CA388923736.
Genomic context (GRCh38, chr14:22,813,378, plus strand): 5'-CCCTGGGCTGGCCCCATCACCCAAAGGGGAGGTTTCCACCTCAGGCTGGGAGGCCACTTC[A>T]TACTCAGTGCTGTCAACCATGGTGGAGGAGAGGAAACCCTTCACCAGCTTCCTGGCATTG-3'